The following is an entry in ClinVar:

ClinVar aggregate classification (germline): Conflicting classifications of pathogenicity. Review status: criteria provided, conflicting classifications (1 of 4 stars). 2 submissions from 2 submitters: Uncertain significance (1); Likely benign (1). Last evaluated 2026-01-19.

Conditions:
Retinal dystrophy with leukodystrophy. Identifiers: MedGen C5394315, MONDO:0030026, OMIM 618863.

Allele frequency attached by ClinVar (database versions not stated): gnomAD 0.00011 and 0.00012; TOPMed 0.00030; gnomAD exomes 0.00034 and 0.00071; ExAC 0.00062.

Submissions (2):

Labcorp Genetics (formerly Invitae), Labcorp
Classification: Likely benign. Last evaluated: 2026-01-19. Review status: criteria provided, single submitter. Criteria: Invitae Variant Classification Sherloc (09022015). Collection method: clinical testing. Allele origin: germline.

ARUP Laboratories, Molecular Genetics and Genomics, ARUP Laboratories
Classification: Uncertain significance for Retinal dystrophy with leukodystrophy. Last evaluated: 2023-08-24. Review status: criteria provided, single submitter. Criteria: ARUP Molecular Germline Variant Investigation Process 2024. Collection method: clinical testing. Allele origin: germline.
Comment: The ACBD5 c.1178A>G; p.Glu393Gly variant (rs201249215), to our knowledge, is not reported in the medical literature but is reported in ClinVar (Variation ID: 1125562). This variant is found in the Latino/Admixed American population with an allele frequency of 0.52% (185/35,440 alleles, including 2 homozygotes) in the Genome Aggregation Database. Computational analyses predict that this variant is neutral (REVEL: 0.063). While the high population frequency suggests that this is likely a benign variant, given the lack of clinical and functional data, the significance of this variant is uncertain at this time.

NM_145698.5(ACBD5):c.1178A>G (p.Glu393Gly)

Gene: ACBD5 (acyl-CoA binding domain containing 5; minus strand). Cytogenetic location: 10p12.1.
Variant type: single nucleotide variant.
Coding change: c.1178A>G on transcript NM_145698.5 (MANE Select); coding-DNA position 1178, A replaced by G.
Protein change: p.Glu393Gly; replaces glutamic acid 393 with glycine.
Molecular consequence: missense variant.
Genome position (GRCh38, 1-based): chr10:27,210,840, T>C on the plus strand (A>G on the coding strand, the complement: ACBD5 is on the minus strand). VCF-style: chr10-27210840-T-C. GRCh37 (hg19) VCF-style: chr10-27499769-T-C.
Other names: c.1073A>G, p.Glu358Gly (NM_001042473.4, NM_001352577.2, NM_001352578.2 and 1 more transcripts); c.1172A>G, p.Glu391Gly (NM_001271512.3); c.851A>G, p.Glu284Gly (NM_001301251.2, NM_001301252.2, NM_001301253.2 and 2 more transcripts); c.647A>G, p.Glu216Gly (NM_001301254.2); c.1232A>G, p.Glu411Gly (NM_001352568.1); c.1211A>G, p.Glu404Gly (NM_001352569.1); c.1178A>G, p.Glu393Gly (NM_001352570.1); c.1205A>G, p.Glu402Gly (NM_001352571.1); and 10 more; short protein forms E216G, E284G, E290G, E295G, E323G, E325G, E334G, E336G.
Identifiers: ClinVar variation 1125562 (VCV001125562.10), dbSNP rs201249215, ClinGen allele CA5450733.